The following is an entry in ClinVar:

ClinVar aggregate classification (germline): Likely pathogenic (1 of 4 stars; one submission).

Conditions:
Neurodevelopmental disorder. Identifiers: MedGen C1535926, MeSH D065886, MONDO:0700092.

Submission:

Institute of Human Genetics, University of Goettingen
Classification: Likely pathogenic for Neurodevelopmental disorder. Last evaluated: 2025-04-16. Review status: criteria provided, single submitter. Criteria: ACMG Guidelines, 2015. Collection method: clinical testing. Allele origin: germline. Inheritance: Autosomal dominant inheritance. Affected: yes. Observed: 1 heterozygote.
Comment: The identified DIP2C variant is classified as likely pathogenic. It is absent from gnomAD, ClinVar, and HGMD [PM2_supporting] and is predicted to result in a truncated protein [PVS1], a mutation type known to be disease-causing in the relevant context. The molecular finding is consistent with aspects of the patient's clinical phenotype. ACMG criteria applied: PVS1, PM2_supporting.

NM_014974.3(DIP2C):c.1167del (p.Asn390fs)

Gene: DIP2C (disco interacting protein 2 homolog C; minus strand). Cytogenetic location: 10p15.3.
Variant type: Deletion.
Coding change: c.1167del on transcript NM_014974.3 (MANE Select); coding-DNA position 1167, one base deleted (C; older notation c.1167delC).
Protein change: p.Asn390fs; shifts the reading frame from asparagine 390.
Molecular consequence: frameshift variant.
Genome position (GRCh38, 1-based): chr10:399,202, G deleted on the plus strand (C on the coding strand, the reverse complement: DIP2C is on the minus strand); the first of 4 consecutive G bases (chr10:399,202-399,205); deleting any one gives the same sequence. VCF-style (leftmost placement, unchanged base first): chr10-399201-TG-T. GRCh37 (hg19) VCF-style: chr10-445141-TG-T.
Other names: short protein forms N390fs.
Identifiers: ClinVar variation 4280662 (VCV004280662.1).